The following is an entry in ClinVar:

NM_012418.4(FSCN2):c.1388C>G (p.Ala463Gly)

Gene: FSCN2 (fascin actin-bundling protein 2, retinal; plus strand). Cytogenetic location: 17q25.3.
Variant type: single nucleotide variant.
Coding change: c.1388C>G on transcript NM_012418.4 (MANE Select); coding-DNA position 1388, C replaced by G.
Protein change: p.Ala463Gly; replaces alanine 463 with glycine.
Molecular consequence: missense variant.
Genome position (GRCh38, 1-based): chr17:81,536,989, C>G. VCF-style: chr17-81536989-C-G. GRCh37 (hg19) VCF-style: chr17-79504015-C-G.
Other names: c.1460C>G, p.Ala487Gly (NM_001077182.3); short protein forms A487G, A463G.
Identifiers: ClinVar variation 1490154 (VCV001490154.8), dbSNP rs779402205, ClinGen allele CA8837129.

ClinVar aggregate classification (germline): Uncertain significance (1 of 4 stars; one submission).

Allele frequency attached by ClinVar (database versions not stated): TOPMed below 0.00001; gnomAD exomes 0.00002 and 0.00007; ExAC 0.00023.
gnomAD v4.1: 32 of 1,527,754 alleles (0.0021%); highest among the groups gnomAD compares: South Asian, 0.036%; 1 homozygote.

Submission:

Labcorp Genetics (formerly Invitae), Labcorp
Classification: Uncertain significance. Last evaluated: 2025-05-19. Review status: criteria provided, single submitter. Criteria: Invitae Variant Classification Sherloc (09022015). Collection method: clinical testing. Allele origin: germline.
Comment: This sequence change replaces alanine, which is neutral and non-polar, with glycine, which is neutral and non-polar, at codon 487 of the FSCN2 protein (p.Ala487Gly). This variant is present in population databases (rs779402205, gnomAD 0.04%). This variant has not been reported in the literature in individuals affected with FSCN2-related conditions. ClinVar contains an entry for this variant (Variation ID: 1490154). An algorithm developed to predict the effect of missense changes on protein structure and function outputs the following: PolyPhen-2: "Benign". The glycine amino acid residue is found in multiple mammalian species, which suggests that this missense change does not adversely affect protein function. In summary, the available evidence is currently insufficient to determine the role of this variant in disease. Therefore, it has been classified as a Variant of Uncertain Significance.